The following is an entry in ClinVar:

NM_024312.5(GNPTAB):c.636+3A>G

Gene: GNPTAB (N-acetylglucosamine-1-phosphate transferase subunits alpha and beta; minus strand). Cytogenetic location: 12q23.2.
Variant type: single nucleotide variant.
Coding change: c.636+3A>G on transcript NM_024312.5 (MANE Select); 3 bases into the intron after coding-DNA position 636, A replaced by G.
Molecular consequence: intron variant.
Genome position (GRCh38, 1-based): chr12:101,780,554, T>C on the plus strand (A>G on the coding strand, the complement: GNPTAB is on the minus strand). VCF-style: chr12-101780554-T-C. GRCh37 (hg19) VCF-style: chr12-102174332-T-C.
Identifiers: ClinVar variation 2174704 (VCV002174704.4), dbSNP rs2547967833, ClinGen allele CA2580085633.

ClinVar aggregate classification (germline): Uncertain significance (1 of 4 stars; one submission).

Conditions:
Mucolipidosis type II. Also called: Mucolipidosis 2; ML 2; Inclusion cell disease; Leroy Disease; N-acetylglucosamine 1phosphotransferase deficiency; ML disorder type 2. Identifiers: Orphanet 576, MedGen C2673377, MONDO:0009650, OMIM 252500.
Pseudo-Hurler polydystrophy. Also called: ML IIIA; Mucolipidosis III Alpha/Beta; MUCOLIPIDOSIS IIIA; ML III; ML III ALPHA/BETA; Type III Mucolipidosis. Identifiers: Orphanet 423461, Orphanet 577, MedGen C0033788, MONDO:0018931, OMIM 252600.

Submission:

Labcorp Genetics (formerly Invitae), Labcorp
Classification: Uncertain significance for Pseudo-Hurler polydystrophy; Mucolipidosis type II. Last evaluated: 2022-06-03. Review status: criteria provided, single submitter. Criteria: Invitae Variant Classification Sherloc (09022015). Collection method: clinical testing. Allele origin: germline.
Comment: In summary, the available evidence is currently insufficient to determine the role of this variant in disease. Therefore, it has been classified as a Variant of Uncertain Significance. Variants that disrupt the consensus splice site are a relatively common cause of aberrant splicing (PMID: 17576681, 9536098). Algorithms developed to predict the effect of sequence changes on RNA splicing suggest that this variant may disrupt the consensus splice site. This variant has not been reported in the literature in individuals affected with GNPTAB-related conditions. This variant is not present in population databases (gnomAD no frequency). This sequence change falls in intron 6 of the GNPTAB gene. It does not directly change the encoded amino acid sequence of the GNPTAB protein. It affects a nucleotide within the consensus splice site.

Literature cited by the submitters: PubMed 17576681; PubMed 9536098.